The following is an entry in ClinVar:

NM_006361.6(HOXB13):c.310G>A (p.Ala104Thr)

Gene: HOXB13 (homeobox B13; minus strand). Cytogenetic location: 17q21.32.
Variant type: single nucleotide variant.
Coding change: c.310G>A on transcript NM_006361.6 (MANE Select); coding-DNA position 310, G replaced by A.
Protein change: p.Ala104Thr; replaces alanine 104 with threonine.
Molecular consequence: missense variant.
Genome position (GRCh38, 1-based): chr17:48,728,284, C>T on the plus strand (G>A on the coding strand, the complement: HOXB13 is on the minus strand). VCF-style: chr17-48728284-C-T. GRCh37 (hg19) VCF-style: chr17-46805646-C-T.
Other names: c.310G>A (NM_006361.5); short protein forms A104T.
Identifiers: ClinVar variation 1010199 (VCV001010199.10), dbSNP rs2038235998, ClinGen allele CA400107718.

ClinVar aggregate classification (germline): Uncertain significance. Review status: criteria provided, multiple submitters, no conflicts (2 of 4 stars). 2 submissions from 2 submitters: Uncertain significance (2). Last evaluated 2024-07-31.

Conditions:
Hereditary cancer-predisposing syndrome. Also called: Tumor predisposition; Hereditary neoplastic syndrome; Neoplastic Syndromes, Hereditary; Hereditary Cancer Syndrome. Identifiers: Orphanet 140162, MedGen C0027672, MeSH D009386, MONDO:0015356.

Submissions (2):

Ambry Genetics
Classification: Uncertain significance for Hereditary cancer-predisposing syndrome. Last evaluated: 2024-07-31. Review status: criteria provided, single submitter. Criteria: Ambry Variant Classification Scheme 2023. Collection method: clinical testing. Allele origin: germline.
Comment: The p.A104T variant (also known as c.310G>A), located in coding exon 1 of the HOXB13 gene, results from a G to A substitution at nucleotide position 310. The alanine at codon 104 is replaced by threonine, an amino acid with similar properties. This amino acid position is conserved. In addition, this alteration is predicted to be tolerated by in silico analysis. Based on the available evidence, the clinical significance of this variant remains unclear.

Labcorp Genetics (formerly Invitae), Labcorp
Classification: Uncertain significance. Last evaluated: 2020-07-02. Review status: criteria provided, single submitter. Criteria: Invitae Variant Classification Sherloc (09022015). Collection method: clinical testing. Allele origin: germline.
Comment: In summary, the available evidence is currently insufficient to determine the role of this variant in disease. Therefore, it has been classified as a Variant of Uncertain Significance. Algorithms developed to predict the effect of missense changes on protein structure and function are either unavailable or do not agree on the potential impact of this missense change (SIFT: "Tolerated"; PolyPhen-2: "Benign"; Align-GVGD: "Class C0"). This variant has not been reported in the literature in individuals with HOXB13-related conditions. This variant is not present in population databases (ExAC no frequency). This sequence change replaces alanine with threonine at codon 104 of the HOXB13 protein (p.Ala104Thr). The alanine residue is moderately conserved and there is a small physicochemical difference between alanine and threonine.